The following is an entry in ClinVar:

ClinVar aggregate classification (germline): Uncertain significance. Review status: criteria provided, multiple submitters, no conflicts (2 of 4 stars). 2 submissions from 2 submitters: Uncertain significance (2). Last evaluated 2024-03-06.

Conditions:
Hereditary cancer-predisposing syndrome. Also called: Neoplastic Syndromes, Hereditary; Tumor predisposition; Hereditary Cancer Syndrome; Hereditary neoplastic syndrome. Identifiers: Orphanet 140162, MedGen C0027672, MeSH D009386, MONDO:0015356.

Submissions (2):

Color Diagnostics, LLC DBA Color Health
Classification: Uncertain significance for Hereditary cancer-predisposing syndrome. Last evaluated: 2024-03-06. Review status: criteria provided, single submitter. Criteria: ACMG Guidelines, 2015. Collection method: clinical testing. Allele origin: germline.
Comment: This missense variant replaces tyrosine with cysteine at codon 1055 of the ATM protein. Computational prediction suggests that this variant may not impact protein structure and function (internally defined REVEL score threshold <= 0.5, PMID: 27666373). Splice site prediction tools suggest that this variant may not impact RNA splicing. To our knowledge, functional studies have not been performed for this variant. This variant has not been reported in individuals affected with hereditary cancer in the literature. This variant has not been identified in the general population by the Genome Aggregation Database (gnomAD). The available evidence is insufficient to determine the role of this variant in disease conclusively. Therefore, this variant is classified as a Variant of Uncertain Significance.

Ambry Genetics
Classification: Uncertain significance for Hereditary cancer-predisposing syndrome. Last evaluated: 2022-09-17. Review status: criteria provided, single submitter. Criteria: Ambry Variant Classification Scheme 2023. Collection method: clinical testing. Allele origin: germline.
Comment: The p.Y1055C variant (also known as c.3164A>G), located in coding exon 21 of the ATM gene, results from an A to G substitution at nucleotide position 3164. The tyrosine at codon 1055 is replaced by cysteine, an amino acid with highly dissimilar properties. This amino acid position is conserved. In addition, this alteration is predicted to be tolerated by in silico analysis. Since supporting evidence is limited at this time, the clinical significance of this alteration remains unclear.

NM_000051.4(ATM):c.3164A>G (p.Tyr1055Cys)

Gene: ATM (ATM serine/threonine kinase; plus strand). Cytogenetic location: 11q22.3.
Variant type: single nucleotide variant.
Coding change: c.3164A>G on transcript NM_000051.4 (MANE Select); coding-DNA position 3164, A replaced by G.
Protein change: p.Tyr1055Cys; replaces tyrosine 1055 with cysteine.
Molecular consequence: missense variant.
Genome position (GRCh38, 1-based): chr11:108,272,732, A>G. VCF-style: chr11-108272732-A-G. GRCh37 (hg19) VCF-style: chr11-108143459-A-G.
Other names: c.3164A>G, p.Tyr1055Cys (NM_001351834.2); short protein forms Y1055C.
Identifiers: ClinVar variation 924131 (VCV000924131.6), dbSNP rs2081658652, ClinGen allele CA382515533.